The following is an entry in ClinVar:

ClinVar aggregate classification (germline): Uncertain significance. Review status: criteria provided, multiple submitters, no conflicts (2 of 4 stars). 3 submissions from 3 submitters: Uncertain significance (3). Last evaluated 2025-09-10.

gnomAD v4.1: 56 of 1,613,676 alleles (0.0035%); highest among the groups gnomAD compares: Middle Eastern, 0.016%; no homozygotes.

Submissions (3):

Labcorp Genetics (formerly Invitae), Labcorp
Classification: Uncertain significance. Last evaluated: 2025-09-10. Review status: criteria provided, single submitter. Criteria: Invitae Variant Classification Sherloc (09022015). Collection method: clinical testing. Allele origin: germline.
Comment: This sequence change replaces arginine, which is basic and polar, with tryptophan, which is neutral and slightly polar, at codon 531 of the SRP72 protein (p.Arg531Trp). This variant is present in population databases (rs377205132, gnomAD 0.03%), and has an allele count higher than expected for a pathogenic variant. This variant has not been reported in the literature in individuals affected with SRP72-related conditions. ClinVar contains an entry for this variant (Variation ID: 3369956). Invitae Evidence Modeling of protein sequence and biophysical properties (such as structural, functional, and spatial information, amino acid conservation, physicochemical variation, residue mobility, and thermodynamic stability) has been performed for this missense variant. However, the output from this modeling did not meet the statistical confidence thresholds required to predict the impact of this variant on SRP72 protein function. Algorithms developed to predict the effect of sequence changes on RNA splicing suggest that this variant may disrupt the consensus splice site. In summary, the available evidence is currently insufficient to determine the role of this variant in disease. Therefore, it has been classified as a Variant of Uncertain Significance.

Ambry Genetics
Classification: Uncertain significance. Last evaluated: 2024-11-25. Review status: criteria provided, single submitter. Criteria: Ambry Variant Classification Scheme 2023. Collection method: clinical testing. Allele origin: germline.
Comment: The p.R531W variant (also known as c.1591C>T), located in coding exon 16 of the SRP72 gene, results from a C to T substitution at nucleotide position 1591. The arginine at codon 531 is replaced by tryptophan, an amino acid with dissimilar properties. This amino acid position is conserved. In addition, this alteration is predicted to be deleterious by in silico analysis. Based on the available evidence, the clinical significance of this variant remains unclear.

GeneDx
Classification: Uncertain significance. Last evaluated: 2023-12-19. Review status: criteria provided, single submitter. Criteria: GeneDx Variant Classification Process June 2021. Collection method: clinical testing. Allele origin: germline. Affected: yes.
Comment: In silico analysis supports that this missense variant has a deleterious effect on protein structure/function; Has not been previously published as pathogenic or benign to our knowledge; In silico analysis is inconclusive as to whether the variant alters gene splicing. In the absence of RNA/functional studies, the actual effect of this sequence change is unknown.; This variant is associated with the following publications: (PMID: 21073748)

NM_006947.4(SRP72):c.1591C>T (p.Arg531Trp)

Gene: SRP72 (signal recognition particle 72; plus strand). Cytogenetic location: 4q12.
Variant type: single nucleotide variant.
Coding change: c.1591C>T on transcript NM_006947.4 (MANE Select); coding-DNA position 1591, C replaced by T.
Protein change: p.Arg531Trp; replaces arginine 531 with tryptophan.
Molecular consequence: missense variant. On other transcripts: non-coding transcript variant (1).
Genome position (GRCh38, 1-based): chr4:56,491,519, C>T. VCF-style: chr4-56491519-C-T. GRCh37 (hg19) VCF-style: chr4-57357685-C-T.
Other names: c.1408C>T, p.Arg470Trp (NM_001267722.2); short protein forms R470W, R531W.
Identifiers: ClinVar variation 3369956 (VCV003369956.3).
Genomic context (GRCh38, chr4:56,491,519, plus strand): 5'-AGTATGTCTCTAAAAGTAGATGTTGAGGCTCTTGAAAATTCTGCTGGTGCTACATACATT[C>T]GGAAGAAGGGTGGAAAAGTTACTGGAGATAGTCAACCAAAGGAACAAGGGTAATATTTTT-3'
Protein context (NP_008878.3, residues 521-541): LENSAGATYI[Arg531Trp]KKGGKVTGDS